The following is an entry in ClinVar:

ClinVar aggregate classification (germline): Likely benign (1 of 4 stars; one submission).

Allele frequency attached by ClinVar (database versions not stated): 1000 Genomes Project 30x 0.00047; 1000 Genomes Project 0.00060; ExAC 0.00126; gnomAD 0.00136; TOPMed 0.00141; ESP Exome Variant Server 0.00233.
gnomAD v4.1: 3,799 of 1,601,692 alleles (0.24%); highest among the groups gnomAD compares: Non-Finnish European, 0.29%; 15 homozygotes.

Submission:

CeGaT Center for Human Genetics Tuebingen
Classification: Likely benign. Last evaluated: 2023-01-01. Review status: criteria provided, single submitter. Criteria: CeGaT Center For Human Genetics Tuebingen Variant Classification Criteria Version 2. Collection method: clinical testing. Allele origin: germline. Affected: yes. Observed: 1 variant allele.
Comment: LOXL1: BS2

NM_005576.4(LOXL1):c.478G>C (p.Ala160Pro)

Genes: LOXL1 (lysyl oxidase like 1; plus strand), LOXL1-AS1 (LOXL1 antisense RNA 1; minus strand). Cytogenetic location: 15q24.1.
Variant type: single nucleotide variant.
Coding change: c.478G>C on transcript NM_005576.4 (MANE Select); coding-DNA position 478, G replaced by C.
Protein change: p.Ala160Pro; replaces alanine 160 with proline.
Molecular consequence: missense variant.
Genome position (GRCh38, 1-based): chr15:73,927,261, G>C. VCF-style: chr15-73927261-G-C. GRCh37 (hg19) VCF-style: chr15-74219602-G-C.
Other names: short protein forms A160P.
Identifiers: ClinVar variation 2645532 (VCV002645532.24), dbSNP rs138183635, ClinGen allele CA7651556.